The following is an entry in ClinVar:

NM_005334.3(HCFC1):c.713-13C>T

Gene: HCFC1 (host cell factor C1; minus strand). Cytogenetic location: Xq28.
Variant type: single nucleotide variant.
Coding change: c.713-13C>T on transcript NM_005334.3 (MANE Select); 13 bases into the intron before coding-DNA position 713, C replaced by T.
Molecular consequence: intron variant.
Genome position (GRCh38, 1-based): chrX:153,962,319, G>A on the plus strand (C>T on the coding strand, the complement: HCFC1 is on the minus strand). VCF-style: chrX-153962319-G-A. GRCh37 (hg19) VCF-style: chrX-153227770-G-A.
Other names: p.?.
Identifiers: ClinVar variation 197775 (VCV000197775.18), dbSNP rs59607260, ClinGen allele CA203073.

ClinVar aggregate classification (germline): Benign. Review status: criteria provided, multiple submitters, no conflicts (2 of 4 stars). 7 submissions from 7 submitters: Benign (7). Last evaluated 2026-02-04.

Conditions:
Methylmalonic acidemia with homocystinuria, type cblX (MAHCX). Also called: INTELLECTUAL DEVELOPMENTAL DISORDER, X-LINKED 3. Identifiers: Orphanet 369962, MedGen C0796208, MONDO:0010657, OMIM 309541.

Allele frequency attached by ClinVar (database versions not stated): ESP Exome Variant Server 0.14937; gnomAD 0.19358 and 0.21224; gnomAD exomes 0.22620 and 0.32773; TOPMed 0.23240; ExAC 0.34193; 1000 Genomes Project 30x 0.39521; 1000 Genomes Project 0.40450.

Submissions (7):

Labcorp Genetics (formerly Invitae), Labcorp
Classification: Benign for Methylmalonic acidemia with homocystinuria, type cblX. Last evaluated: 2026-02-04. Review status: criteria provided, single submitter. Criteria: Invitae Variant Classification Sherloc (09022015). Collection method: clinical testing. Allele origin: germline.

Women's Health and Genetics/Laboratory Corporation of America, LabCorp
Classification: Benign. Last evaluated: 2025-11-14. Review status: criteria provided, single submitter. Criteria: LabCorp Variant Classification Summary - May 2015. Collection method: clinical testing. Allele origin: germline.

Mayo Clinic Laboratories, Mayo Clinic
Classification: Benign. Last evaluated: 2021-11-19. Review status: criteria provided, single submitter. Criteria: ACMG Guidelines, 2015. Collection method: clinical testing. Allele origin: germline. Observed: 33 variant alleles.

Genome-Nilou Lab
Classification: Benign for Methylmalonic acidemia with homocystinuria, type cblX. Last evaluated: 2021-08-10. Review status: criteria provided, single submitter. Criteria: ACMG Guidelines, 2015. Collection method: clinical testing. Allele origin: germline. Affected: no.

GeneDx
Classification: Benign. Last evaluated: 2015-12-02. Review status: criteria provided, single submitter. Criteria: GeneDx Variant Classification (06012015). Collection method: clinical testing. Allele origin: germline. Affected: yes.
Comment: This variant is considered likely benign or benign based on one or more of the following criteria: it is a conservative change, it occurs at a poorly conserved position in the protein, it is predicted to be benign by multiple in silico algorithms, and/or has population frequency not consistent with disease.

Eurofins Ntd Llc (ga)
Classification: Benign. Last evaluated: 2014-12-09. Review status: criteria provided, single submitter. Criteria: EGL Classification Definitions 2015. Collection method: clinical testing. Allele origin: germline. Observed: 1 variant allele, 1 hemizygote.

Breakthrough Genomics
Classification: Benign. Review status: criteria provided, single submitter. Criteria: ACMG Guidelines, 2015. Collection method: not provided. Allele origin: germline. Inheritance: X-linked inheritance. Affected: yes.